The following is an entry in ClinVar:

ClinVar aggregate classification (germline): Likely benign (0 of 4 stars; one submission).

Conditions:
TBXA2R-related disorder. Also called: TBXA2R-related condition.

gnomAD v4.1: 1 of 1,610,430 alleles (0.000062%); highest among the groups gnomAD compares: Non-Finnish European, 0.000085%; no homozygotes.

Submission:

PreventionGenetics, part of Exact Sciences
Classification: Likely benign for TBXA2R-related condition. Last evaluated: 2021-12-14. Review status: no assertion criteria provided. Collection method: clinical testing. Allele origin: germline.
Comment: This variant is classified as likely benign based on ACMG/AMP sequence variant interpretation guidelines (Richards et al. 2015 PMID: 25741868, with internal and published modifications).

NM_001060.6(TBXA2R):c.504G>C (p.Leu168=)

Gene: TBXA2R (thromboxane A2 receptor; minus strand). Cytogenetic location: 19p13.3.
Variant type: single nucleotide variant.
Coding change: c.504G>C on transcript NM_001060.6 (MANE Select); coding-DNA position 504, G replaced by C.
Protein change: p.Leu168=; no amino-acid change (leucine 168 retained).
Molecular consequence: synonymous variant.
Genome position (GRCh38, 1-based): chr19:3,600,131, C>G on the plus strand (G>C on the coding strand, the complement: TBXA2R is on the minus strand). VCF-style: chr19-3600131-C-G. GRCh37 (hg19) VCF-style: chr19-3600129-C-G.
Other names: c.504G>C, p.Leu168= (NM_201636.3).
Identifiers: ClinVar variation 3029522 (VCV003029522.2), dbSNP rs1480009066, ClinGen allele CA505155204.